The following is an entry in ClinVar:

ClinVar aggregate classification (germline): Conflicting classifications of pathogenicity. Review status: criteria provided, conflicting classifications (1 of 4 stars). 6 submissions from 6 submitters: Uncertain significance (3); Likely benign (3). Last evaluated 2026-04-01.

Conditions:
Cardiovascular phenotype. Identifiers: MedGen CN230736.
Dilated cardiomyopathy 1G (CMD1G). Identifiers: Orphanet 154, MedGen C1858763, MONDO:0011400, OMIM 604145.
Autosomal recessive limb-girdle muscular dystrophy type 2J (LGMDR10). Also called: Limb-girdle muscular dystrophy, type 2J; MUSCULAR DYSTROPHY, LIMB-GIRDLE, AUTOSOMAL RECESSIVE 10. Identifiers: Orphanet 140922, MedGen C1837342, MONDO:0012127, OMIM 608807.

Allele frequency attached by ClinVar (database versions not stated): TOPMed 0.00003; gnomAD 0.00004 and 0.00005; gnomAD exomes 0.00005 and 0.00014; ExAC 0.00006; 1000 Genomes Project 30x 0.00016; ESP Exome Variant Server 0.00017; 1000 Genomes Project 0.00020.
gnomAD v4.1: 210 of 1,612,732 alleles (0.013%); highest among the groups gnomAD compares: Non-Finnish European, 0.017%; no homozygotes.

Submissions (6):

CeGaT Center for Human Genetics Tuebingen
Classification: Uncertain significance. Last evaluated: 2026-04-01. Review status: criteria provided, single submitter. Criteria: CeGaT Center For Human Genetics Tuebingen Variant Classification Criteria Version 2. Collection method: clinical testing. Allele origin: germline. Affected: yes. Observed: 1 variant allele.
Comment: TTN: PM2, BP4

Revvity Omics, Revvity
Classification: Uncertain significance. Last evaluated: 2025-05-14. Review status: criteria provided, single submitter. Criteria: ACMG Guidelines, 2015. Collection method: clinical testing. Allele origin: germline.

Blueprint Genetics
Classification: Likely benign. Last evaluated: 2022-09-14. Review status: criteria provided, single submitter. Criteria: ACMG Guidelines, 2015. Collection method: clinical testing. Allele origin: germline.

Ambry Genetics
Classification: Likely benign for Cardiovascular phenotype. Last evaluated: 2020-07-09. Review status: criteria provided, single submitter. Criteria: Ambry Variant Classification Scheme 2023. Collection method: clinical testing. Allele origin: germline.

GeneDx
Classification: Likely benign. Last evaluated: 2018-04-17. Review status: criteria provided, single submitter. Criteria: GeneDx Variant Classification (06012015). Collection method: clinical testing. Allele origin: germline. Affected: yes.
Comment: This variant is considered likely benign or benign based on one or more of the following criteria: it is a conservative change, it occurs at a poorly conserved position in the protein, it is predicted to be benign by multiple in silico algorithms, and/or has population frequency not consistent with disease.

Labcorp Genetics (formerly Invitae), Labcorp
Classification: Uncertain significance for Dilated cardiomyopathy 1G; Autosomal recessive limb-girdle muscular dystrophy type 2J. Last evaluated: 2017-10-27. Review status: criteria provided, single submitter. Criteria: Invitae Variant Classification Sherloc (09022015). Collection method: clinical testing. Allele origin: germline.

NM_001267550.2(TTN):c.50954C>T (p.Thr16985Ile)

Genes: TTN (titin; minus strand), TTN-AS1 (TTN antisense RNA 1; plus strand). Cytogenetic location: 2q31.2.
Variant type: single nucleotide variant.
Coding change: c.50954C>T on transcript NM_001267550.2 (MANE Select); coding-DNA position 50954, C replaced by T.
Protein change: p.Thr16985Ile; replaces threonine 16985 with isoleucine.
Molecular consequence: missense variant.
Genome position (GRCh38, 1-based): chr2:178,611,175, G>A on the plus strand (C>T on the coding strand, the complement: TTN is on the minus strand). VCF-style: chr2-178611175-G-A. GRCh37 (hg19) VCF-style: chr2-179475902-G-A.
Other names: c.46031C>T, p.Thr15344Ile (NM_001256850.1); c.23759C>T, p.Thr7920Ile (NM_003319.4); c.43250C>T, p.Thr14417Ile (NM_133378.4); c.24134C>T, p.Thr8045Ile (NM_133432.3); c.24335C>T, p.Thr8112Ile (NM_133437.4); short protein forms T16985I, T15344I, T8112I, T7920I, T8045I, T14417I.
Identifiers: ClinVar variation 535138 (VCV000535138.10), dbSNP rs116765281, ClinGen allele CA1994274.